The following is an entry in ClinVar:

NM_022166.4(XYLT1):c.121G>C (p.Gly41Arg)

Gene: XYLT1 (xylosyltransferase 1; minus strand). Cytogenetic location: 16p12.3.
Variant type: single nucleotide variant.
Coding change: c.121G>C on transcript NM_022166.4 (MANE Select); coding-DNA position 121, G replaced by C.
Protein change: p.Gly41Arg; replaces glycine 41 with arginine.
Molecular consequence: missense variant.
Genome position (GRCh38, 1-based): chr16:17,470,676, C>G on the plus strand (G>C on the coding strand, the complement: XYLT1 is on the minus strand). VCF-style: chr16-17470676-C-G. GRCh37 (hg19) VCF-style: chr16-17564533-C-G.
Other names: short protein forms G41R.
Identifiers: ClinVar variation 2166781 (VCV002166781.4), dbSNP rs763929771, ClinGen allele CA7928290.
Genomic context (GRCh38, chr16:17,470,676, plus strand): 5'-GGGCCGGGGGCGGCTGCTCCCCGCCGCCGACCGCTGCGCCCCCGCGGCGCTCCCCGGCCC[C>G]GGAGTCGAGGCTGCTGAAATTCCACACGACCAGCGTCTGCAGCAGCAGCACCGTGAGCGC-3'
Protein context (NP_071449.1, residues 31-51): VVWNFSSLDS[Gly41Arg]AGERRGGAAV

ClinVar aggregate classification (germline): Uncertain significance (1 of 4 stars; one submission).

Conditions:
Desbuquois dysplasia 1 (DBQD1). Also called: MICROMELIC DWARFISM WITH VERTEBRAL AND METAPHYSEAL ABNORMALITIES AND ADVANCED CARPOTARSAL OSSIFICATION; DESBUQUOIS DYSPLASIA 1, KIM VARIANT. Identifiers: Orphanet 1425, MedGen C4012146, MONDO:0009629, OMIM 251450.

Allele frequency attached by ClinVar (database versions not stated): gnomAD 0.00002; ExAC 0.00014.

Submission:

Labcorp Genetics (formerly Invitae), Labcorp
Classification: Uncertain significance for Desbuquois dysplasia 1. Last evaluated: 2022-10-18. Review status: criteria provided, single submitter. Criteria: Invitae Variant Classification Sherloc (09022015). Collection method: clinical testing. Allele origin: germline.
Comment: In summary, the available evidence is currently insufficient to determine the role of this variant in disease. Therefore, it has been classified as a Variant of Uncertain Significance. Algorithms developed to predict the effect of missense changes on protein structure and function are either unavailable or do not agree on the potential impact of this missense change (SIFT: "Tolerated"; PolyPhen-2: "Not Available"; Align-GVGD: "Class C0"). This variant has not been reported in the literature in individuals affected with XYLT1-related conditions. The frequency data for this variant in the population databases is considered unreliable, as metrics indicate poor data quality at this position in the gnomAD database. This sequence change replaces glycine, which is neutral and non-polar, with arginine, which is basic and polar, at codon 41 of the XYLT1 protein (p.Gly41Arg).